The following is an entry in ClinVar:

ClinVar aggregate classification (germline): Likely benign (1 of 4 stars; one submission).

Allele frequency attached by ClinVar (database versions not stated): ExAC 0.00005; 1000 Genomes Project 30x 0.02701.

Submission:

CeGaT Center for Human Genetics Tuebingen
Classification: Likely benign. Last evaluated: 2022-12-01. Review status: criteria provided, single submitter. Criteria: CeGaT Center For Human Genetics Tuebingen Variant Classification Criteria Version 2. Collection method: clinical testing. Allele origin: germline. Affected: yes. Observed: 1 variant allele.
Comment: KIR2DS4: BP4, BP7

NM_001281971.2(KIR2DS4):c.288A>G (p.Gly96=)

Gene: KIR2DS4 (killer cell immunoglobulin like receptor, two Ig domains and short cytoplasmic tail 4 (gene/pseudogene)). Cytogenetic location: 19q13.42.
Variant type: single nucleotide variant.
Coding change: c.288A>G on transcript NM_001281971.2; coding-DNA position 288, A replaced by G.
Protein change: p.Gly96=; no amino-acid change (glycine 96 retained).
Molecular consequence: synonymous variant.
Genome position (GRCh38, 1-based): chr19:54,837,793, A>G. VCF-style: chr19-54837793-A-G. GRCh37 (hg19) VCF-style: chr19-55349248-A-G.
Other names: c.288A>G, p.Gly96= (NM_001281972.2).
Identifiers: ClinVar variation 2650488 (VCV002650488.23), dbSNP rs763642186, ClinGen allele CA309929948.